The following is an entry in ClinVar:

NM_001611.5(ACP5):c.331C>T (p.His111Tyr)

Gene: ACP5 (acid phosphatase 5, tartrate resistant; minus strand). Cytogenetic location: 19p13.2.
Variant type: single nucleotide variant.
Coding change: c.331C>T on transcript NM_001611.5 (MANE Select); coding-DNA position 331, C replaced by T.
Protein change: p.His111Tyr; replaces histidine 111 with tyrosine.
Molecular consequence: missense variant.
Genome position (GRCh38, 1-based): chr19:11,576,774, G>A on the plus strand (C>T on the coding strand, the complement: ACP5 is on the minus strand). VCF-style: chr19-11576774-G-A. GRCh37 (hg19) VCF-style: chr19-11687589-G-A.
Other names: c.331C>T (NM_001111035.1); c.331C>T, p.His111Tyr (NM_001111034.3, NM_001111035.3, NM_001111036.3 and 1 more transcripts); short protein forms H111Y.
Identifiers: ClinVar variation 1408658 (VCV001408658.5), dbSNP rs1195620494, ClinGen allele CA404148169.

ClinVar aggregate classification (germline): Uncertain significance. Review status: criteria provided, multiple submitters, no conflicts (2 of 4 stars). 2 submissions from 2 submitters: Uncertain significance (2). Last evaluated 2025-12-10.

Conditions:
Inborn genetic diseases. Identifiers: MedGen C0950123, MeSH D030342.
Spondyloenchondrodysplasia with immune dysregulation (SPENCDI). Also called: ROIFMAN IMMUNOSKELETAL SYNDROME; COMBINED IMMUNODEFICIENCY WITH AUTOIMMUNITY AND SPONDYLOMETAPHYSEAL DYSPLASIA; SPONDYLOENCHONDRODYSPLASIA WITH OR WITHOUT IMMUNE DYSREGULATION. Identifiers: Orphanet 1855, MedGen C1842763, MONDO:0011939, OMIM 607944.

Allele frequency attached by ClinVar (database versions not stated): gnomAD exomes below 0.00001; TOPMed 0.00001.
gnomAD v4.1: 7 of 1,614,074 alleles (0.00043%); highest among the groups gnomAD compares: Admixed American, 0.0033%; no homozygotes.

Submissions (2):

Ambry Genetics
Classification: Uncertain significance for Inborn genetic diseases. Last evaluated: 2025-12-10. Review status: criteria provided, single submitter. Criteria: Ambry Variant Classification Scheme 2023. Collection method: clinical testing. Allele origin: germline.

Labcorp Genetics (formerly Invitae), Labcorp
Classification: Uncertain significance for Spondyloenchondrodysplasia with immune dysregulation. Last evaluated: 2022-11-22. Review status: criteria provided, single submitter. Criteria: Invitae Variant Classification Sherloc (09022015). Collection method: clinical testing. Allele origin: germline.
Comment: In summary, the available evidence is currently insufficient to determine the role of this variant in disease. Therefore, it has been classified as a Variant of Uncertain Significance. Advanced modeling of protein sequence and biophysical properties (such as structural, functional, and spatial information, amino acid conservation, physicochemical variation, residue mobility, and thermodynamic stability) performed at Invitae indicates that this missense variant is expected to disrupt ACP5 protein function. ClinVar contains an entry for this variant (Variation ID: 1408658). This variant has not been reported in the literature in individuals affected with ACP5-related conditions. This variant is present in population databases (no rsID available, gnomAD 0.003%). This sequence change replaces histidine with tyrosine at codon 111 of the ACP5 protein (p.His111Tyr). The histidine residue is highly conserved and there is a moderate physicochemical difference between histidine and tyrosine.